The following is an entry in ClinVar:

ClinVar aggregate classification (germline): Pathogenic (1 of 4 stars; one submission).

Submission:

Labcorp Genetics (formerly Invitae), Labcorp
Classification: Pathogenic. Last evaluated: 2022-01-18. Review status: criteria provided, single submitter. Criteria: Invitae Variant Classification Sherloc (09022015). Collection method: clinical testing. Allele origin: germline.
Comment: This variant results in a copy number gain of the genomic region encompassing exon(s) 4-6 of the PCDH15 gene. While the exact position of this variant cannot be determined from the data, sub-genic copy number gains are generally in tandem (PMID: 25640679). This variant is predicted to be out-of-frame, and may result in an absent or disrupted protein product. Loss-of-function variants in PCDH15 are known to be pathogenic (PMID: 11398101, 11487575, 14570705). A similar copy number variant has been observed in individuals with Usher syndrome (PMID: 20538994). For these reasons, this variant has been classified as Pathogenic.

Literature cited by the submitters: PubMed 25640679; PubMed 11398101; PubMed 11487575; PubMed 14570705; PubMed 20538994.

NC_000010.11:g.(?_54346355)_(54378952_?)dup

Gene: PCDH15 (protocadherin related 15; minus strand). Cytogenetic location: 10q21.1.
Variant type: Duplication.
Identifiers: ClinVar variation 833343 (VCV000833343.7).